The following is an entry in ClinVar:

NM_002439.5(MSH3):c.557C>A (p.Ser186Ter)

Gene: MSH3 (mutS homolog 3; plus strand). Cytogenetic location: 5q14.1.
Variant type: single nucleotide variant.
Coding change: c.557C>A on transcript NM_002439.5 (MANE Select); coding-DNA position 557, C replaced by A.
Protein change: p.Ser186Ter; replaces serine 186 with a stop codon.
Molecular consequence: nonsense.
Genome position (GRCh38, 1-based): chr5:80,665,341, C>A. VCF-style: chr5-80665341-C-A. GRCh37 (hg19) VCF-style: chr5-79961160-C-A.
Other names: short protein forms S186*.
Identifiers: ClinVar variation 2673521 (VCV002673521.1), dbSNP rs750366331, ClinGen allele CA360264533.

ClinVar aggregate classification (germline): Pathogenic (1 of 4 stars; one submission).

Conditions:
Familial adenomatous polyposis 4 (FAP4). Also called: MSH3-related attenuated familial adenomatous polyposis. Identifiers: Orphanet 480536, MedGen C4310719, MONDO:0044300, OMIM 617100.

gnomAD v4.1: 1 of 1,612,348 alleles (0.000062%); no homozygotes.

Submission:

Myriad Genetics, Inc.
Classification: Pathogenic for Familial adenomatous polyposis 4. Last evaluated: 2023-08-29. Review status: criteria provided, single submitter. Criteria: Myriad Autosomal Dominant, Autosomal Recessive and X-Linked Classification Criteria (2023). Collection method: clinical testing. Allele origin: unknown.
Comment: This variant is considered pathogenic. This variant creates a termination codon and is predicted to result in premature protein truncation.